The following is an entry in ClinVar:

ClinVar aggregate classification (germline): Uncertain significance (1 of 4 stars; one submission).

Conditions:
Hereditary motor and sensory neuropathy, Okinawa type (HMSNO). Also called: HEREDITARY MOTOR AND SENSORY NEUROPATHY, PROXIMAL TYPE. Identifiers: Orphanet 90117, MedGen C1858338, MONDO:0011468, OMIM 604484.
Hereditary spastic paraplegia 57. Also called: Spastic paraplegia 57, autosomal recessive. Identifiers: Orphanet 431329, MedGen C3714897, MONDO:0014295, OMIM 615658.

Allele frequency attached by ClinVar (database versions not stated): gnomAD exomes below 0.00001.
gnomAD v4.1: 2 of 1,613,910 alleles (0.00012%); highest among the groups gnomAD compares: Non-Finnish European, 0.000085%; no homozygotes.

Submission:

Labcorp Genetics (formerly Invitae), Labcorp
Classification: Uncertain significance for Hereditary motor and sensory neuropathy, Okinawa type; Hereditary spastic paraplegia 57. Last evaluated: 2023-06-23. Review status: criteria provided, single submitter. Criteria: Invitae Variant Classification Sherloc (09022015). Collection method: clinical testing. Allele origin: germline.
Comment: This sequence change replaces isoleucine, which is neutral and non-polar, with valine, which is neutral and non-polar, at codon 239 of the TFG protein (p.Ile239Val). This variant is not present in population databases (gnomAD no frequency). This variant has not been reported in the literature in individuals affected with TFG-related conditions. An algorithm developed to predict the effect of missense changes on protein structure and function (PolyPhen-2) suggests that this variant is likely to be tolerated. In summary, the available evidence is currently insufficient to determine the role of this variant in disease. Therefore, it has been classified as a Variant of Uncertain Significance.

NM_006070.6(TFG):c.715A>G (p.Ile239Val)

Gene: TFG (trafficking from ER to golgi regulator; plus strand). Cytogenetic location: 3q12.2.
Variant type: single nucleotide variant.
Coding change: c.715A>G on transcript NM_006070.6 (MANE Select); coding-DNA position 715, A replaced by G.
Protein change: p.Ile239Val; replaces isoleucine 239 with valine.
Molecular consequence: missense variant. On other transcripts: intron variant (1).
Genome position (GRCh38, 1-based): chr3:100,736,710, A>G. VCF-style: chr3-100736710-A-G. GRCh37 (hg19) VCF-style: chr3-100455554-A-G.
Other names: c.715A>G, p.Ile239Val (NM_001007565.2, NM_001195478.2); c.709+6A>G (NM_001195479.2); short protein forms I239V.
Identifiers: ClinVar variation 2938585 (VCV002938585.3), dbSNP rs2472120084, ClinGen allele CA353847693.